The following is an entry in ClinVar:

NM_003816.3(ADAM9):c.2360C>T (p.Pro787Leu)

Gene: ADAM9 (ADAM metallopeptidase domain 9; plus strand). Cytogenetic location: 8p11.22.
Variant type: single nucleotide variant.
Coding change: c.2360C>T on transcript NM_003816.3 (MANE Select); coding-DNA position 2360, C replaced by T.
Protein change: p.Pro787Leu; replaces proline 787 with leucine.
Molecular consequence: missense variant. On other transcripts: non-coding transcript variant (3).
Genome position (GRCh38, 1-based): chr8:39,101,924, C>T. VCF-style: chr8-39101924-C-T. GRCh37 (hg19) VCF-style: chr8-38959443-C-T.
Other names: short protein forms P787L.
Identifiers: ClinVar variation 1058858 (VCV001058858.5), dbSNP rs2129443641, ClinGen allele CA370738631.

ClinVar aggregate classification (germline): Uncertain significance (1 of 4 stars; one submission).

Submission:

Labcorp Genetics (formerly Invitae), Labcorp
Classification: Uncertain significance. Last evaluated: 2022-09-27. Review status: criteria provided, single submitter. Criteria: Invitae Variant Classification Sherloc (09022015). Collection method: clinical testing. Allele origin: germline.
Comment: In summary, the available evidence is currently insufficient to determine the role of this variant in disease. Therefore, it has been classified as a Variant of Uncertain Significance. Algorithms developed to predict the effect of missense changes on protein structure and function are either unavailable or do not agree on the potential impact of this missense change (SIFT: "Deleterious"; PolyPhen-2: "Probably Damaging"; Align-GVGD: "Class C0"). ClinVar contains an entry for this variant (Variation ID: 1058858). This variant has not been reported in the literature in individuals affected with ADAM9-related conditions. This variant is not present in population databases (gnomAD no frequency). This sequence change replaces proline, which is neutral and non-polar, with leucine, which is neutral and non-polar, at codon 787 of the ADAM9 protein (p.Pro787Leu).